The following is an entry in ClinVar:

ClinVar aggregate classification (germline): Uncertain significance (1 of 4 stars; one submission).

Conditions:
Fanconi anemia complementation group E (FANCE). Also called: FANCE-Related Fanconi Anemia. Identifiers: Orphanet 84, MedGen C3160739, MONDO:0010953, OMIM 600901.

Allele frequency attached by ClinVar (database versions not stated): gnomAD 0.00001; TOPMed 0.00001.
gnomAD v4.1: 1 of 1,614,060 alleles (0.000062%); highest among the groups gnomAD compares: African/African-American, 0.0013%; no homozygotes.

Submission:

Labcorp Genetics (formerly Invitae), Labcorp
Classification: Uncertain significance for Fanconi anemia complementation group E. Last evaluated: 2021-08-31. Review status: criteria provided, single submitter. Criteria: Invitae Variant Classification Sherloc (09022015). Collection method: clinical testing. Allele origin: germline.
Comment: This sequence change replaces cysteine with tyrosine at codon 345 of the FANCE protein (p.Cys345Tyr). The cysteine residue is highly conserved and there is a large physicochemical difference between cysteine and tyrosine. This variant is not present in population databases (ExAC no frequency). This variant has not been reported in the literature in individuals affected with FANCE-related conditions. Algorithms developed to predict the effect of missense changes on protein structure and function are either unavailable or do not agree on the potential impact of this missense change (SIFT: "Deleterious"; PolyPhen-2: "Probably Damaging"; Align-GVGD: "Class C15"). In summary, the available evidence is currently insufficient to determine the role of this variant in disease. Therefore, it has been classified as a Variant of Uncertain Significance.

NM_021922.3(FANCE):c.1034G>A (p.Cys345Tyr)

Gene: FANCE (FA complementation group E; plus strand). Cytogenetic location: 6p21.31.
Variant type: single nucleotide variant.
Coding change: c.1034G>A on transcript NM_021922.3 (MANE Select); coding-DNA position 1034, G replaced by A.
Protein change: p.Cys345Tyr; replaces cysteine 345 with tyrosine.
Molecular consequence: missense variant.
Genome position (GRCh38, 1-based): chr6:35,458,361, G>A. VCF-style: chr6-35458361-G-A. GRCh37 (hg19) VCF-style: chr6-35426138-G-A.
Other names: short protein forms C345Y.
Identifiers: ClinVar variation 1507355 (VCV001507355.5), dbSNP rs1007410805, ClinGen allele CA137300332.